The following is an entry in ClinVar:

ClinVar aggregate classification (germline): Uncertain significance (1 of 4 stars; one submission).

Conditions:
Atrioventricular septal defect 4 (AVSD4). Identifiers: MedGen C3280781, MONDO:0013747, OMIM 614430.

Allele frequency attached by ClinVar (database versions not stated): TOPMed 0.00007.
gnomAD v4.1: 124 of 1,614,106 alleles (0.0077%); highest among the groups gnomAD compares: Admixed American, 0.022%; no homozygotes.

Submission:

Labcorp Genetics (formerly Invitae), Labcorp
Classification: Uncertain significance for Atrioventricular septal defect 4. Last evaluated: 2025-09-21. Review status: criteria provided, single submitter. Criteria: Invitae Variant Classification Sherloc (09022015). Collection method: clinical testing. Allele origin: germline.
Comment: This sequence change replaces proline, which is neutral and non-polar, with arginine, which is basic and polar, at codon 407 of the GATA4 protein (p.Pro407Arg). This variant is present in population databases (rs115099192, gnomAD 0.02%). This missense change has been observed in individual(s) with left ventricular hypertrabeculation (PMID: 28798025). ClinVar contains an entry for this variant (Variation ID: 947905). Invitae Evidence Modeling of protein sequence and biophysical properties (such as structural, functional, and spatial information, amino acid conservation, physicochemical variation, residue mobility, and thermodynamic stability) has been performed for this missense variant. However, the output from this modeling did not meet the statistical confidence thresholds required to predict the impact of this variant on GATA4 protein function. In summary, the available evidence is currently insufficient to determine the role of this variant in disease. Therefore, it has been classified as a Variant of Uncertain Significance.

Literature cited by the submitters: PubMed 28798025.

NM_001308093.3(GATA4):c.1223C>G (p.Pro408Arg)

Gene: GATA4 (GATA binding protein 4). Cytogenetic location: 8p23.1.
Variant type: single nucleotide variant.
Coding change: c.1223C>G on transcript NM_001308093.3 (MANE Select); coding-DNA position 1223, C replaced by G.
Protein change: p.Pro408Arg; replaces proline 408 with arginine.
Molecular consequence: missense variant.
Genome position (GRCh38, 1-based): chr8:11,758,366, C>G. VCF-style: chr8-11758366-C-G. GRCh37 (hg19) VCF-style: chr8-11615875-C-G.
Other names: c.602C>G, p.Pro201Arg (NM_001308094.2, NM_001374273.1); c.476C>G, p.Pro159Arg (NM_001374274.1); c.1220C>G, p.Pro407Arg (NM_002052.5); short protein forms P201R, P407R, P408R, P159R.
Identifiers: ClinVar variation 947905 (VCV000947905.7), dbSNP rs115099192, ClinGen allele CA4630891.